The following is an entry in ClinVar:

NC_000023.10:g.(66766605_66863097)_(66863250_66905851)del

Gene: AR (androgen receptor; plus strand). Cytogenetic location: Xq12.
Variant type: Deletion.
Identifiers: ClinVar variation 1722349 (VCV001722349.1).

ClinVar aggregate classification (germline): Pathogenic (1 of 4 stars; one submission).

Conditions:
Androgen resistance syndrome (AIS). Also called: Androgen insensitivity syndrome due to coactivator deficiency; Androgen insensitivity; ANDROGEN RECEPTOR DEFICIENCY; DIHYDROTESTOSTERONE RECEPTOR DEFICIENCY; DHTR DEFICIENCY; TESTICULAR FEMINIZATION SYNDROME. Identifiers: Orphanet 754, Orphanet 99429, MedGen C0039585, MONDO:0019154, OMIM 300068. Disease mechanism: loss of function.

Submission:

Women's Health and Genetics/Laboratory Corporation of America, LabCorp
Classification: Pathogenic for Androgen resistance syndrome. Last evaluated: 2022-09-02. Review status: criteria provided, single submitter. Criteria: LabCorp Variant Classification Summary - May 2015. Collection method: clinical testing. Allele origin: germline.
Comment: Variant summary: The variant identified by MLPA or other technology involves the deletion of exon 2 in the AR gene. A presumed nomenclature of c.(1616+1_1617-1)_(1768+1_1769-1)del has been designated for the purposes of this classification. Although exact breakpoints of this deletion are not known, it is expected to result in a frameshift in the AR gene, a known mechanism of disease. The variant was absent in 16120 control chromosomes (gnomAD, Structural Variants dataset). Deletion of exon 2 has been reported in the literature in individuals affected with Androgen Resistance Syndrome and hypospadia (e.g. Brown_1995, Li_2011, Chen_2021). These data indicate that the variant is likely to be associated with disease. No clinical diagnostic laboratories have submitted clinical-significance assessments for this variant to ClinVar after 2014. Based on the evidence outlined above, the variant was classified as pathogenic.

Literature cited by the submitters: PubMed 18406699; PubMed 34276780; PubMed 21710452.